The following is an entry in ClinVar:

NM_001135998.3(NDUFB11):c.338+21C>T

Gene: NDUFB11 (NADH:ubiquinone oxidoreductase subunit B11; minus strand). Cytogenetic location: Xp11.3.
Variant type: single nucleotide variant.
Coding change: c.338+21C>T on transcript NM_001135998.3 (MANE Select); 21 bases into the intron after coding-DNA position 338, C replaced by T.
Molecular consequence: intron variant. On other transcripts: missense variant (1).
Genome position (GRCh38, 1-based): chrX:47,142,593, G>A on the plus strand (C>T on the coding strand, the complement: NDUFB11 is on the minus strand). VCF-style: chrX-47142593-G-A. GRCh37 (hg19) VCF-style: chrX-47001992-G-A.
Other names: c.359C>T, p.Ala120Val (NM_019056.7); short protein forms A120V.
Identifiers: ClinVar variation 2051789 (VCV002051789.4), dbSNP rs371538526, ClinGen allele CA10394902.

ClinVar aggregate classification (germline): Uncertain significance (1 of 4 stars; one submission).

Allele frequency attached by ClinVar (database versions not stated): TOPMed 0.00003; gnomAD 0.00005; gnomAD exomes 0.00005; ESP Exome Variant Server 0.00009; ExAC 0.00005.
gnomAD v4.1: 61 of 1,209,069 alleles (0.005%); highest among the groups gnomAD compares: Non-Finnish European, 0.0059%; no homozygotes.

Submission:

Labcorp Genetics (formerly Invitae), Labcorp
Classification: Uncertain significance. Last evaluated: 2023-10-13. Review status: criteria provided, single submitter. Criteria: Invitae Variant Classification Sherloc (09022015). Collection method: clinical testing. Allele origin: germline.
Comment: This sequence change replaces alanine, which is neutral and non-polar, with valine, which is neutral and non-polar, at codon 120 of the NDUFB11 protein (p.Ala120Val). This variant is present in population databases (rs371538526, gnomAD 0.009%). This variant has not been reported in the literature in individuals affected with NDUFB11-related conditions. ClinVar contains an entry for this variant (Variation ID: 2051789). Algorithms developed to predict the effect of missense changes on protein structure and function output the following: SIFT: "Not Available"; PolyPhen-2: "Benign"; Align-GVGD: "Not Available". The valine amino acid residue is found in multiple mammalian species, which suggests that this missense change does not adversely affect protein function. Algorithms developed to predict the effect of sequence changes on RNA splicing suggest that this variant may disrupt the consensus splice site. In summary, the available evidence is currently insufficient to determine the role of this variant in disease. Therefore, it has been classified as a Variant of Uncertain Significance.